The following is an entry in ClinVar:

NM_001844.5(COL2A1):c.3736G>A (p.Gly1246Ser)

Gene: COL2A1 (collagen type II alpha 1 chain; minus strand). Cytogenetic location: 12q13.11.
Variant type: single nucleotide variant.
Coding change: c.3736G>A on transcript NM_001844.5 (MANE Select); coding-DNA position 3736, G replaced by A.
Protein change: p.Gly1246Ser; replaces glycine 1246 with serine.
Molecular consequence: missense variant.
Genome position (GRCh38, 1-based): chr12:47,975,467, C>T on the plus strand (G>A on the coding strand, the complement: COL2A1 is on the minus strand). VCF-style: chr12-47975467-C-T. GRCh37 (hg19) VCF-style: chr12-48369250-C-T.
Other names: c.3529G>A, p.Gly1177Ser (NM_033150.3); short protein forms G1246S, G1177S.
Identifiers: ClinVar variation 308908 (VCV000308908.33), dbSNP rs147569641, ClinGen allele CA6534653.

ClinVar aggregate classification (germline): Conflicting classifications of pathogenicity. Review status: criteria provided, conflicting classifications (1 of 4 stars). 11 submissions from 10 submitters: Uncertain significance (1); Benign (2); Likely benign (6). 2 of the submissions do not count toward it. Last evaluated 2026-02-01.

Conditions:
Stickler syndrome type 1 (STL1). Also called: ARTHROOPHTHALMOPATHY, HEREDITARY PROGRESSIVE; STICKLER SYNDROME, MEMBRANOUS VITREOUS TYPE; STICKLER SYNDROME, VITREOUS TYPE 1; COL2A1-Related Stickler Syndrome. Identifiers: Orphanet 828, Orphanet 90653, MedGen C2020284, MONDO:0007160, OMIM 108300.
Connective tissue disorder. Also called: Connective tissue disease. Identifiers: MedGen C0009782, MONDO:0003900.
Type 2 collagenopathy. Identifiers: Orphanet 93421, MedGen C2931073, MONDO:0022800.

Allele frequency attached by ClinVar (database versions not stated): gnomAD exomes 0.00064 and 0.00032; 1000 Genomes Project 30x 0.00016; 1000 Genomes Project 0.00020; ESP Exome Variant Server 0.00031; gnomAD 0.00046; ExAC 0.00055; TOPMed 0.00058.
gnomAD v4.1: 558 of 1,613,962 alleles (0.035%); highest among the groups gnomAD compares: Middle Eastern, 0.33%; 3 homozygotes.

Submissions (11):

CeGaT Center for Human Genetics Tuebingen
Classification: Likely benign. Last evaluated: 2026-02-01. Review status: criteria provided, single submitter. Criteria: CeGaT Center For Human Genetics Tuebingen Variant Classification Criteria Version 2. Collection method: clinical testing. Allele origin: germline. Affected: yes. Observed: 3 variant alleles.
Comment: COL2A1: BP4, BS2

Labcorp Genetics (formerly Invitae), Labcorp
Classification: Likely benign. Last evaluated: 2026-01-04. Review status: criteria provided, single submitter. Criteria: Invitae Variant Classification Sherloc (09022015). Collection method: clinical testing. Allele origin: germline.

Blueprint Genetics
Classification: Likely benign. Last evaluated: 2024-10-17. Review status: criteria provided, single submitter. Criteria: ACMG Guidelines, 2015. Collection method: clinical testing. Allele origin: germline.

GeneDx
Classification: Likely benign. Last evaluated: 2020-08-21. Review status: criteria provided, single submitter. Criteria: GeneDx Variant Classification Process June 2021. Collection method: clinical testing. Allele origin: germline. Affected: yes.

Genome Diagnostics Laboratory, The Hospital for Sick Children
Classification: Likely benign for Connective tissue disorder. Last evaluated: 2020-01-01. Review status: criteria provided, single submitter. Criteria: ACMG Guidelines, 2015. Collection method: clinical testing. Allele origin: germline.

Center for Human Genetics, Inc
Classification: Likely benign for Connective tissue disorder. Last evaluated: 2018-06-01. Review status: criteria provided, single submitter. Criteria: ACMG Guidelines, 2015. Collection method: clinical testing. Allele origin: germline. Affected: yes.

Illumina Laboratory Services, Illumina
Classification: Benign for Type II Collagenopathies. Last evaluated: 2018-01-13. Review status: criteria provided, single submitter. Criteria: ICSL Variant Classification Criteria 13 December 2019. Collection method: clinical testing. Allele origin: germline.
Comment: This variant was observed in the ICSL laboratory as part of a predisposition screen in an ostensibly healthy population. It had not been previously curated by ICSL or reported in the Human Gene Mutation Database (HGMD: prior to June 1st, 2018), and was therefore a candidate for classification through an automated scoring system. Utilizing variant allele frequency, disease prevalence and penetrance estimates, and inheritance mode, an automated score was calculated to assess if this variant is too frequent to cause the disease. Based on the score and internal cut-off values, a variant classified as benign is not then subjected to further curation. The score for this variant resulted in a classification of benign for this disease.

Illumina Laboratory Services, Illumina
Classification: Uncertain significance for Stickler syndrome type 1. Last evaluated: 2018-01-13. Review status: criteria provided, single submitter. Criteria: ICSL Variant Classification Criteria 13 December 2019. Collection method: clinical testing. Allele origin: germline.

Eurofins Ntd Llc (ga)
Classification: Benign. Last evaluated: 2017-07-25. Review status: criteria provided, single submitter. Criteria: EGL Classification Definitions 2015. Collection method: clinical testing. Allele origin: germline. Observed: 1 variant allele, 1 heterozygote.

Clinical Genetics DNA and cytogenetics Diagnostics Lab, Erasmus MC, Erasmus Medical Center
Classification: Likely benign. Review status: no assertion criteria provided. Collection method: clinical testing. Allele origin: germline. Affected: yes. Study: VKGL Data-share Consensus. Not counted in ClinVar's aggregate classification.

Laboratory of Diagnostic Genome Analysis, Leiden University Medical Center (LUMC)
Classification: Likely benign. Review status: no assertion criteria provided. Collection method: clinical testing. Allele origin: germline. Affected: yes. Study: VKGL Data-share Consensus. Not counted in ClinVar's aggregate classification.